The following is an entry in ClinVar:

NM_014491.4(FOXP2):c.483ACAACAGCAGCA[3] (p.Gln188_Gln191dup)

Gene: FOXP2 (forkhead box P2; plus strand). Cytogenetic location: 7q31.1.
Variant type: Microsatellite.
Coding change: c.483ACAACAGCAGCA[3] on transcript NM_014491.4 (MANE Select); three copies in a row of the 12-base unit ACAACAGCAGCA starting at c.483; the reference has two copies in a row; one copy, 12 bases duplicated.
Protein change: p.Gln188_Gln191dup.
Molecular consequence: inframe insertion. On other transcripts: non-coding transcript variant (2).
Genome position (GRCh38, 1-based): chr7:114,629,903-114,629,914, ACAACAGCAGCA duplicated; duplicating any 12 consecutive bases within chr7:114,629,883-114,629,914 gives the same sequence; the position shown is the placement nearest the transcript's 3' end. VCF-style (leftmost placement, unchanged base first): chr7-114629882-G-GCAGCAGCAACAA. GRCh37 (hg19) VCF-style: chr7-114269937-G-GCAGCAGCAACAA.
Other names: c.483ACAACAGCAGCA[3], p.Gln188_Gln191dup (NM_001172766.3, NM_148899.3); c.558ACAACAGCAGCA[3], p.Gln213_Gln216dup (NM_001172767.2, NM_148898.4); c.534ACAACAGCAGCA[3], p.Gln205_Gln208dup (NM_148900.4).
Identifiers: ClinVar variation 242948 (VCV000242948.41), dbSNP rs761316361, ClinGen allele CA4445817.

ClinVar aggregate classification (germline): Likely benign. Review status: criteria provided, multiple submitters, no conflicts (2 of 4 stars). 5 submissions from 5 submitters: Likely benign (3). 2 of the submissions do not count toward it. Last evaluated 2026-07-01.

Conditions:
FOXP2-related disorder. Also called: FOXP2-related condition.
Childhood apraxia of speech (SPCH1). Also called: SPEECH AND LANGUAGE DISORDER WITH OROFACIAL DYSPRAXIA; FOXP2-Related Speech and Language Disorder; Speech language disorder; DEVELOPMENTAL VERBAL DYSPRAXIA. Identifiers: Orphanet 209908, MedGen C0750927, MONDO:0011184, OMIM 602081.

Submissions (5):

CeGaT Center for Human Genetics Tuebingen
Classification: Likely benign. Last evaluated: 2026-07-01. Review status: criteria provided, single submitter. Criteria: CeGaT Center For Human Genetics Tuebingen Variant Classification Criteria Version 2. Collection method: clinical testing. Allele origin: germline. Affected: yes. Observed: 5 variant alleles.
Comment: FOXP2: BS1

Mendelics
Classification: Likely benign for Childhood apraxia of speech. Last evaluated: 2019-05-28. Review status: criteria provided, single submitter. Criteria: Mendelics Assertion Criteria 2017. Collection method: clinical testing. Allele origin: unknown.

GeneDx
Classification: Likely benign. Last evaluated: 2015-03-03. Review status: criteria provided, single submitter. Criteria: GeneDx Variant Classification Process June 2021. Collection method: clinical testing. Allele origin: germline. Affected: yes.
Comment: See Variant Classification Assertion Criteria.

PreventionGenetics, part of Exact Sciences
Classification: Likely benign for FOXP2-related condition. Last evaluated: 2019-10-07. Review status: no assertion criteria provided. Collection method: clinical testing. Allele origin: germline. Not counted in ClinVar's aggregate classification.
Comment: This variant is classified as likely benign based on ACMG/AMP sequence variant interpretation guidelines (Richards et al. 2015 PMID: 25741868, with internal and published modifications).

GeneReviews
No classification provided. Condition: Childhood apraxia of speech. Review status: no classification provided. Collection method: literature only. Allele origin: germline. Affected: yes. Observed: 1 variant allele. Not counted in ClinVar's aggregate classification.

Literature cited by the submitters: PubMed 15877281 (cited by GeneReviews); NCBI Bookshelf NBK368474 (cited by GeneReviews).